The following is an entry in ClinVar:

ClinVar aggregate classification (germline): Benign (1 of 4 stars; one submission).

Conditions:
Multiple cutaneous and mucosal venous malformations (VMCM). Also called: TEK-Related Multiple Cutaneous and Mucosal Venous Malformations (VMCM). Identifiers: Orphanet 2451, MedGen C1838437, MONDO:0010842, OMIM 600195.

Allele frequency attached by ClinVar (database versions not stated): gnomAD 0.00013; ExAC 0.00012; TOPMed 0.00003.
gnomAD v4.1: 78 of 1,613,948 alleles (0.0048%); highest among the groups gnomAD compares: South Asian, 0.061%; 1 homozygote.

Submission:

Illumina Laboratory Services, Illumina
Classification: Benign for Multiple cutaneous and mucosal venous malformations. Last evaluated: 2018-01-12. Review status: criteria provided, single submitter. Criteria: ICSL Variant Classification Criteria 13 December 2019. Collection method: clinical testing. Allele origin: germline.
Comment: This variant was observed in the ICSL laboratory as part of a predisposition screen in an ostensibly healthy population. It had not been previously curated by ICSL or reported in the Human Gene Mutation Database (HGMD: prior to June 1st, 2018), and was therefore a candidate for classification through an automated scoring system. Utilizing variant allele frequency, disease prevalence and penetrance estimates, and inheritance mode, an automated score was calculated to assess if this variant is too frequent to cause the disease. Based on the score and internal cut-off values, a variant classified as benign is not then subjected to further curation. The score for this variant resulted in a classification of benign for this disease.

NM_000459.5(TEK):c.2052C>T (p.His684=)

Gene: TEK (TEK receptor tyrosine kinase; plus strand). Cytogenetic location: 9p21.2.
Variant type: single nucleotide variant.
Coding change: c.2052C>T on transcript NM_000459.5 (MANE Select); coding-DNA position 2052, C replaced by T.
Protein change: p.His684=; no amino-acid change (histidine 684 retained).
Molecular consequence: synonymous variant.
Genome position (GRCh38, 1-based): chr9:27,202,962, C>T. VCF-style: chr9-27202962-C-T. GRCh37 (hg19) VCF-style: chr9-27202960-C-T.
Other names: c.1923C>T, p.His641= (NM_001290077.2, NM_001375476.1); c.1611C>T, p.His537= (NM_001290078.2); c.2052C>T, p.His684= (NM_001375475.1).
Identifiers: ClinVar variation 366436 (VCV000366436.5), dbSNP rs35818764, ClinGen allele CA5016396.